The following is an entry in ClinVar:

ClinVar aggregate classification (germline): Uncertain significance (1 of 4 stars; one submission).

Conditions:
Inborn genetic diseases. Identifiers: MedGen C0950123, MeSH D030342.

gnomAD v4.1: 9 of 1,588,604 alleles (0.00057%); highest among the groups gnomAD compares: African/African-American, 0.011%; no homozygotes.

Submission:

Ambry Genetics
Classification: Uncertain significance for Inborn genetic diseases. Last evaluated: 2026-04-06. Review status: criteria provided, single submitter. Criteria: Ambry Variant Classification Scheme 2023. Collection method: clinical testing. Allele origin: germline.
Comment: The c.1307A>G (p.N436S) alteration is located in exon 11 (coding exon 11) of the NRCAM gene. This alteration results from a A to G substitution at nucleotide position 1307, causing the asparagine (N) at amino acid position 436 to be replaced by a serine (S). Based on data from gnomAD, the G allele has an overall frequency of 0.002% (4/260396) total alleles studied. The highest observed frequency was 0.017% (4/23682) of African alleles. Based on insufficient or conflicting evidence, the clinical significance of this alteration remains unclear.

NM_001037132.4(NRCAM):c.1307A>G (p.Asn436Ser)

Gene: NRCAM (neuronal cell adhesion molecule; minus strand). Cytogenetic location: 7q31.1.
Variant type: single nucleotide variant.
Coding change: c.1307A>G on transcript NM_001037132.4 (MANE Select); coding-DNA position 1307, A replaced by G.
Protein change: p.Asn436Ser; replaces asparagine 436 with serine.
Molecular consequence: missense variant. On other transcripts: non-coding transcript variant (5).
Genome position (GRCh38, 1-based): chr7:108,198,000, T>C on the plus strand (A>G on the coding strand, the complement: NRCAM is on the minus strand). VCF-style: chr7-108198000-T-C. GRCh37 (hg19) VCF-style: chr7-107838444-T-C.
Other names: c.962A>G, p.Asn321Ser (NM_001371147.1, NM_001371164.1, NM_001371125.1 and 2 more transcripts); c.1019A>G, p.Asn340Ser (NM_001371148.1, NM_001371170.1, NM_001371179.1 and 1 more transcripts); c.1307A>G, p.Asn436Ser (NM_001371149.1, NM_001371150.1, NM_001371153.1 and 13 more transcripts); c.1289A>G, p.Asn430Ser (NM_001371151.1, NM_001371152.1, NM_001371171.1 and 9 more transcripts); c.1250A>G, p.Asn417Ser (NM_001371154.1, NM_001371155.1, NM_001371166.1 and 22 more transcripts); c.1232A>G, p.Asn411Ser (NM_001371182.1); c.380A>G, p.Asn127Ser (NM_001371137.1); c.1286A>G, p.Asn429Ser (NM_001371134.1); and 1 more; short protein forms N127S, N321S, N340S, N411S, N417S, N429S, N430S, N435S.
Identifiers: ClinVar variation 4861184 (VCV004861184.1).